The following is an entry in ClinVar:

ClinVar aggregate classification (germline): Uncertain significance. Review status: criteria provided, multiple submitters, no conflicts (2 of 4 stars). 2 submissions from 2 submitters: Uncertain significance (2). Last evaluated 2022-02-12.

Conditions:
Adams-Oliver syndrome 2 (AOS2). Identifiers: Orphanet 974, MedGen C3280182, MONDO:0013635, OMIM 614219.

Allele frequency attached by ClinVar (database versions not stated): gnomAD 0.00001; TOPMed 0.00001; ExAC 0.00002; gnomAD exomes 0.00008.
gnomAD v4.1: 116 of 1,609,078 alleles (0.0072%); highest among the groups gnomAD compares: Non-Finnish European, 0.0094%; no homozygotes.

Submissions (2):

Labcorp Genetics (formerly Invitae), Labcorp
Classification: Uncertain significance. Last evaluated: 2022-02-12. Review status: criteria provided, single submitter. Criteria: Invitae Variant Classification Sherloc (09022015). Collection method: clinical testing. Allele origin: germline.
Comment: This variant is present in population databases (rs763532223, gnomAD 0.004%). This sequence change falls in intron 34 of the DOCK6 gene. It does not directly change the encoded amino acid sequence of the DOCK6 protein. This variant has not been reported in the literature in individuals affected with DOCK6-related conditions. Algorithms developed to predict the effect of sequence changes on RNA splicing suggest that this variant may disrupt the consensus splice site. In summary, the available evidence is currently insufficient to determine the role of this variant in disease. Therefore, it has been classified as a Variant of Uncertain Significance.

Revvity Omics, Revvity
Classification: Uncertain significance for Adams-Oliver syndrome 2. Last evaluated: 2019-08-16. Review status: criteria provided, single submitter. Criteria: ACMG Guidelines, 2015. Collection method: clinical testing. Allele origin: germline.

NM_020812.4(DOCK6):c.4339-8G>A

Genes: DOCK6 (dedicator of cytokinesis 6; minus strand), DOCK6-AS1 (DOCK6 antisense RNA 1; plus strand). Cytogenetic location: 19p13.2.
Variant type: single nucleotide variant.
Coding change: c.4339-8G>A on transcript NM_020812.4 (MANE Select); 8 bases into the intron before coding-DNA position 4339, G replaced by A.
Molecular consequence: intron variant.
Genome position (GRCh38, 1-based): chr19:11,213,336, C>T on the plus strand (G>A on the coding strand, the complement: DOCK6 is on the minus strand). VCF-style: chr19-11213336-C-T. GRCh37 (hg19) VCF-style: chr19-11324012-C-T.
Other names: c.4339-8G>A (NM_020812.3); c.4444-8G>A (NM_001367830.1).
Identifiers: ClinVar variation 2416034 (VCV002416034.9), dbSNP rs763532223, ClinGen allele CA9206891.